The following is an entry in ClinVar:

NM_001277115.2(DNAH11):c.4829G>C (p.Cys1610Ser)

Gene: DNAH11 (dynein axonemal heavy chain 11; plus strand). Cytogenetic location: 7p15.3.
Variant type: single nucleotide variant.
Coding change: c.4829G>C on transcript NM_001277115.2 (MANE Select); coding-DNA position 4829, G replaced by C.
Protein change: p.Cys1610Ser; replaces cysteine 1610 with serine.
Molecular consequence: missense variant.
Genome position (GRCh38, 1-based): chr7:21,638,950, G>C. VCF-style: chr7-21638950-G-C. GRCh37 (hg19) VCF-style: chr7-21678568-G-C.
Other names: short protein forms C1610S.
Identifiers: ClinVar variation 837874 (VCV000837874.9), dbSNP rs750959340, ClinGen allele CA366934317.

ClinVar aggregate classification (germline): Uncertain significance (1 of 4 stars; one submission).

Conditions:
Primary ciliary dyskinesia. Also called: Ciliary dyskinesia. Identifiers: Orphanet 244, MedGen C0008780, MONDO:0016575, HP:0012265.

Submission:

Labcorp Genetics (formerly Invitae), Labcorp
Classification: Uncertain significance for Primary ciliary dyskinesia. Last evaluated: 2019-12-05. Review status: criteria provided, single submitter. Criteria: Invitae Variant Classification Sherloc (09022015). Collection method: clinical testing. Allele origin: germline.
Comment: This sequence change replaces cysteine with serine at codon 1610 of the DNAH11 protein (p.Cys1610Ser). The cysteine residue is highly conserved and there is a moderate physicochemical difference between cysteine and serine. This variant is not present in population databases (ExAC no frequency). This variant has not been reported in the literature in individuals with DNAH11-related conditions. Algorithms developed to predict the effect of missense changes on protein structure and function are either unavailable or do not agree on the potential impact of this missense change (SIFT: "Deleterious"; PolyPhen-2: "Possibly Damaging"; Align-GVGD: "Class C0"). In summary, the available evidence is currently insufficient to determine the role of this variant in disease. Therefore, it has been classified as a Variant of Uncertain Significance.